The following is an entry in ClinVar:

NM_001384474.1(LOXHD1):c.2696G>C (p.Arg899Pro)

Gene: LOXHD1 (lipoxygenase homology PLAT domains 1; minus strand). Cytogenetic location: 18q21.1.
Variant type: single nucleotide variant.
Coding change: c.2696G>C on transcript NM_001384474.1 (MANE Select); coding-DNA position 2696, G replaced by C.
Protein change: p.Arg899Pro; replaces arginine 899 with proline.
Molecular consequence: missense variant.
Genome position (GRCh38, 1-based): chr18:46,560,448, C>G on the plus strand (G>C on the coding strand, the complement: LOXHD1 is on the minus strand). VCF-style: chr18-46560448-C-G. GRCh37 (hg19) VCF-style: chr18-44140411-C-G.
Other names: c.2696G>C, p.Arg899Pro (NM_144612.7); short protein forms R899P.
Identifiers: ClinVar variation 228819 (VCV000228819.36), dbSNP rs745683775, ClinGen allele CA8952632.

ClinVar aggregate classification (germline): Conflicting classifications of pathogenicity. Review status: criteria provided, conflicting classifications (1 of 4 stars). 15 submissions from 15 submitters: Pathogenic (4); Likely pathogenic (8); Uncertain significance (3). Last evaluated 2026-05-28.

Conditions:
LOXHD1-related disorder. Also called: LOXHD1-related condition.
Monogenic hearing loss.
Nonsyndromic genetic hearing loss. Also called: Nonsyndromic hearing loss and deafness; Nonsyndromic genetic deafness; Non-syndromic genetic deafness. Identifiers: Orphanet 87884, MedGen C5680182, MONDO:0019497.
Autosomal recessive nonsyndromic hearing loss 77. Identifiers: Orphanet 90636, MedGen C2746083, MONDO:0013119, OMIM 613079.

Allele frequency attached by ClinVar (database versions not stated): ExAC below 0.00001; TOPMed 0.00025.
gnomAD v4.1: 718 of 1,543,534 alleles (0.047%); highest among the groups gnomAD compares: Non-Finnish European, 0.061%; no homozygotes.

Submissions (15):

Myriad Genetics, Inc.
Classification: Likely pathogenic for Autosomal recessive nonsyndromic hearing loss 77. Last evaluated: 2026-05-28. Review status: criteria provided, single submitter. Criteria: Myriad Autosomal Dominant, Autosomal Recessive and X-Linked Classification Criteria (2023). Collection method: clinical testing. Allele origin: unknown.
Comment: NM_144612.6(LOXHD1):c.2696G>C(R899P) is a missense variant classified as likely pathogenic in the context of nonsyndromic hearing loss, LOXHD1-related. R899P has been observed in cases with relevant disease (PMID: 26969326, 29676012, 32860223, 35682719, 35875410). Relevant functional assessments of this variant are not available in the literature. R899P has been observed in referenced population frequency databases. In summary, NM_144612.6(LOXHD1):c.2696G>C(R899P) is a missense variant that has been observed more frequently in cases with the relevant disease than in healthy populations. Please note: this variant was assessed in the context of healthy population screening.

Victorian Clinical Genetics Services, Murdoch Childrens Research Institute
Classification: Pathogenic for Autosomal recessive nonsyndromic hearing loss 77. Last evaluated: 2026-04-09. Review status: criteria provided, single submitter. Criteria: ACMG Guidelines, 2015. Collection method: clinical testing. Allele origin: germline. Affected: yes.
Comment: This variant is classified as Pathogenic. Evidence in support of pathogenic classification: Variant is present in gnomAD <0.01 for a recessive condition (v4: 718 heterozygote(s), 0 homozygote(s)). - This variant has strong previous evidence of pathogenicity in unrelated individuals. This variant has been classified as pathogenic or likely pathogenic by clinical laboratories in ClinVar, as well as three VUS entries which predate the pathogenic/likely pathogenic entries. It has also been reported in the literature in a compound heterozygous state in individuals with hearing loss (PMIDs: 32860223, 29676012, 35875410). Additional information: Variant is predicted to result in a missense amino acid change from Arg to Pro; This variant is heterozygous; This gene is associated with autosomal recessive disease; Alternative amino acid change(s) at the same position are present in gnomAD (highest allele count: v4: 28 heterozygote(s), 0 homozygote(s)). - Variant is not located in an established domain, motif, hotspot or informative constraint region; Missense variant with inconclusive in silico prediction and/or uninformative conservation; Loss of function is a known mechanism of disease in this gene and is associated with autosomal recessive deafness 77 (MIM#613079); Inheritance information for this variant is not currently available in this individual.

Women's Health and Genetics/Laboratory Corporation of America, LabCorp
Classification: Pathogenic for Nonsyndromic genetic hearing loss. Last evaluated: 2026-02-13. Review status: criteria provided, single submitter. Criteria: LabCorp Variant Classification Summary - May 2015. Collection method: clinical testing. Allele origin: germline.
Comment: Variant summary: LOXHD1 c.2696G>C (p.Arg899Pro) results in a non-conservative amino acid change in the encoded protein sequence. Algorithms developed to predict the effect of missense changes on protein structure and function are either unavailable or do not agree on the potential impact of this missense change. The variant allele was found at a frequency of 0.00018 in 150590 control chromosomes (gnomAD). This frequency is not significantly higher than estimated for disease-causing variants in LOXHD1, allowing no conclusion about variant significance. c.2696G>C has been reported in the literature in individuals affected with Nonsyndromic Hearing Loss And Deafness, Type 77 ( examples: Sloan-Heggen_2016, Wesdorp_2018, Brozkova_2020, Morlet_2022). These data indicate that the variant is likely to be associated with disease. To our knowledge, no experimental evidence demonstrating an impact on protein function has been reported. The following publications have been ascertained in the context of this evaluation (PMID: 32860223, 26969326, 29676012, 33892339, 31152317, 35875410). ClinVar contains an entry for this variant (Variation ID: 228819). Based on the evidence outlined above, the variant was classified as pathogenic.

PreventionGenetics, part of Exact Sciences
Classification: Likely pathogenic for LOXHD1-related condition. Last evaluated: 2026-02-03. Review status: criteria provided, single submitter. Criteria: ACMG Guidelines, 2015. Collection method: clinical testing. Allele origin: germline.
Comment: The LOXHD1 c.2696G>C variant is predicted to result in the amino acid substitution p.Arg899Pro. This variant has been reported in the compound heterozygous state along with a pathogenic LOXHD1 truncating variant in three patients with non-syndromic hearing loss from two unrelated families (Morlet et al. 2021. PubMed ID: 35875410; Table S1, Safka Brozkova et al. 2020. PubMed ID: 32860223). This variant has also been reported along with a second LOXHD1 variant of uncertain significance in several other individuals with non-syndromic hearing loss (Table S3, Sloan-Heggen et al. 2016. PubMed ID: 26969326; Wesdorp et al. 2018. PubMed ID: 29676012). This variant is reported in 0.040% of alleles in individuals of European (non-Finnish) descent in gnomAD. This variant is interpreted as likely pathogenic.

Natera, Inc.
Classification: Likely pathogenic for Autosomal recessive deafness type 77. Last evaluated: 2026-01-23. Review status: criteria provided, single submitter. Criteria: Natera Variant Classification Schema (03/2026). Collection method: clinical testing. Allele origin: germline.
Comment: The c.2696G>C variant in LOXHD1 is a missense variant predicted to cause substitution of arginine to proline at amino acid 899. This variant is rare in the general population with a frequency below the threshold expected for the associated phenotype(s). This variant has been observed in one or more individuals affected with the associated recessive disease, as either homozygous or compound heterozygous with a second variant (PMID: 35875410, 32860223). Additionally, this variant has been observed to segregate in affected family members (PMID: 35875410). Computational prediction algorithms indicate this variant is likely to affect gene or protein function. Given the available evidence, this variant is classified as Likely Pathogenic.

Labcorp Genetics (formerly Invitae), Labcorp
Classification: Pathogenic. Last evaluated: 2026-01-11. Review status: criteria provided, single submitter. Criteria: Invitae Variant Classification Sherloc (09022015). Collection method: clinical testing. Allele origin: germline.
Comment: This sequence change replaces arginine, which is basic and polar, with proline, which is neutral and non-polar, at codon 899 of the LOXHD1 protein (p.Arg899Pro). This variant is present in population databases (rs745683775, gnomAD 0.04%). This missense change has been observed in individual(s) with deafness (PMID: 26969326, 29676012, 32860223; internal data). In at least one individual the data is consistent with being in trans (on the opposite chromosome) from a pathogenic variant. ClinVar contains an entry for this variant (Variation ID: 228819). An algorithm developed to predict the effect of missense changes on protein structure and function (PolyPhen-2) suggests that this variant is likely to be tolerated. For these reasons, this variant has been classified as Pathogenic.

Genetics Laboratory, Great Ormond Street Hospital NHS Foundation Trust, North Thames Genomic Laboratory Hub
Classification: Likely pathogenic for Monogenic hearing loss. Last evaluated: 2025-12-23. Review status: criteria provided, single submitter. Criteria: ACGS Best Practice Guidelines for Variant Classification in Rare Disease 2024 v1.2. Collection method: clinical testing. Allele origin: germline. Affected: yes.
Comment: PM2_supporting, PM3_very-strong

GeneDx
Classification: Likely pathogenic. Last evaluated: 2025-10-24. Review status: criteria provided, single submitter. Criteria: GeneDx Variant Classification Process June 2021. Collection method: clinical testing. Allele origin: germline. Affected: yes.
Comment: Observed multiple times with another LOXHD1 variant in unrelated patients in published literature, but it is not known whether the variants occurred on the same (in cis) or on different (in trans) chromosomes in some cases (PMID: 29676012, 26969326, 30760222); In silico analysis supports that this missense variant has a deleterious effect on protein structure/function; This variant is associated with the following publications: (PMID: 32149082, 26969326, 30760222, 31547530, 31709873, 32860223, 33892339, Morlet2021[Case Report], 31152317, 29676012, 35875410)

Equipe Genetique des Anomalies du Developpement, Université de Bourgogne
Classification: Likely pathogenic for Autosomal recessive nonsyndromic hearing loss 77. Last evaluated: 2025-10-03. Review status: criteria provided, single submitter. Criteria: ACMG Guidelines, 2015. Collection method: clinical testing. Allele origin: paternal. Affected: yes.
Comment: This is a heterozygous missense variant NM_144612.6:c.2696G>C NP_653213.6:p.(Arg899Pro) in the gene LOXHD1. It affects a highly conserved amino acid within a functional domain of the protein. This variant is absent in the homozygous state from the gnomAD v4.1.0 database The variant is listed in ClinVar with discordant classifications (pathogenic, likely pathogenic, and uncertain significance). It is also present in LOVD with similar variability. It has been reported in the compound heterozygous state in individuals with hearing loss (PMID: 29676012). According to current evidence, this variant is considered likely pathogenic.

Blueprint Genetics
Classification: Pathogenic for LOXHD1-related disorders. Last evaluated: 2024-08-29. Review status: criteria provided, single submitter. Criteria: ACMG Guidelines, 2015. Collection method: clinical testing. Allele origin: germline. Affected: yes. Observed: 5 variant alleles.

Mayo Clinic Laboratories, Mayo Clinic
Classification: Likely pathogenic. Last evaluated: 2024-05-15. Review status: criteria provided, single submitter. Criteria: ACMG Guidelines, 2015. Collection method: clinical testing. Allele origin: germline. Observed: 1 variant allele.
Comment: PP1_moderate, PM2, PM3_strong

Fulgent Genetics
Classification: Likely pathogenic for Autosomal recessive nonsyndromic hearing loss 77. Last evaluated: 2024-04-30. Review status: criteria provided, single submitter. Criteria: ACMG Guidelines, 2015. Collection method: clinical testing. Allele origin: germline.

Illumina Laboratory Services, Illumina
Classification: Uncertain significance for Autosomal recessive nonsyndromic hearing loss 77. Last evaluated: 2018-01-12. Review status: criteria provided, single submitter. Criteria: ICSL Variant Classification Criteria 13 December 2019. Collection method: clinical testing. Allele origin: germline.

Eurofins Ntd Llc (ga)
Classification: Uncertain significance. Last evaluated: 2017-05-01. Review status: criteria provided, single submitter. Criteria: EGL Classification Definitions 2015. Collection method: clinical testing. Allele origin: germline. Observed: 1 variant allele, 1 heterozygote.

Laboratory for Molecular Medicine, Mass General Brigham Personalized Medicine
Classification: Uncertain significance. Last evaluated: 2016-01-15. Review status: criteria provided, single submitter. Criteria: LMM Criteria. Collection method: clinical testing. Allele origin: germline. Observed: 1 variant allele.
Comment: The p.Arg899Pro variant in LOXHD1 has not been previously reported in individual s with hearing loss. Data from large population studies are insufficient to asse ss the frequency of this variant. Computational prediction tools and conservatio n analyses do not provide strong support for or against an impact to the protein . In summary, the clinical significance of the p.Arg899Pro variant is uncertain.

Literature cited by the submitters: PubMed 26969326 (cited by 5 submitters); PubMed 29676012 (cited by 6 submitters); PubMed 32860223 (cited by 6 submitters); PubMed 35682719 (cited by Myriad Genetics, Inc.); PubMed 35875410 (cited by 5 submitters); PubMed 31152317 (cited by Women's Health and Genetics/Laboratory Corporation of America, LabCorp and Mayo Clinic Laboratories, Mayo Clinic); PubMed 33892339 (cited by Women's Health and Genetics/Laboratory Corporation of America, LabCorp and Mayo Clinic Laboratories, Mayo Clinic); PubMed 30760222 (cited by Mayo Clinic Laboratories, Mayo Clinic); PubMed 31547530 (cited by Mayo Clinic Laboratories, Mayo Clinic); PubMed 31709873 (cited by Mayo Clinic Laboratories, Mayo Clinic); PubMed 32149082 (cited by Mayo Clinic Laboratories, Mayo Clinic).